The following is an entry in ClinVar:

NM_016239.4(MYO15A):c.7788-5C>T

Gene: MYO15A (myosin XVA; plus strand). Cytogenetic location: 17p11.2.
Variant type: single nucleotide variant.
Coding change: c.7788-5C>T on transcript NM_016239.4 (MANE Select); 5 bases into the intron before coding-DNA position 7788, C replaced by T.
Molecular consequence: intron variant.
Genome position (GRCh38, 1-based): chr17:18,151,841, C>T. VCF-style: chr17-18151841-C-T. GRCh37 (hg19) VCF-style: chr17-18055155-C-T.
Identifiers: ClinVar variation 735536 (VCV000735536.10), dbSNP rs187668960, ClinGen allele CA8424953.
Genomic context (GRCh38, chr17:18,151,841, plus strand): 5'-GTCAAACTATGTGATGGGAAAGGGAGACTCAGTGTCAACCCACCACAGTACTCCAATGCC[C>T]ACAGGAAGGATGGCGGGAAAGTGTTCATGAAGCGGCCAGACCCTCATGAGGAGGCCCTGA-3'

ClinVar aggregate classification (germline): Benign/Likely benign. Review status: criteria provided, multiple submitters, no conflicts (2 of 4 stars). 3 submissions from 3 submitters: Benign (1); Likely benign (2). Last evaluated 2026-01-25.

Conditions:
MYO15A-related disorder. Also called: MYO15A-related condition.

Allele frequency attached by ClinVar (database versions not stated): gnomAD 0.00098 and 0.00108; 1000 Genomes Project 0.00100; TOPMed 0.00104; 1000 Genomes Project 30x 0.00109; ESP Exome Variant Server 0.00129; gnomAD exomes 0.00010 and 0.00023; ExAC 0.00072.
gnomAD v4.1: 289 of 1,571,542 alleles (0.018%); highest among the groups gnomAD compares: African/African-American, 0.36%; no homozygotes.

Submissions (3):

Labcorp Genetics (formerly Invitae), Labcorp
Classification: Benign. Last evaluated: 2026-01-25. Review status: criteria provided, single submitter. Criteria: Invitae Variant Classification Sherloc (09022015). Collection method: clinical testing. Allele origin: germline.

PreventionGenetics, part of Exact Sciences
Classification: Likely benign for MYO15A-related condition. Last evaluated: 2024-10-17. Review status: criteria provided, single submitter. Criteria: ACMG Guidelines, 2015. Collection method: clinical testing. Allele origin: germline.
Comment: This variant is classified as likely benign based on ACMG/AMP sequence variant interpretation guidelines (Richards et al. 2015 PMID: 25741868, with internal and published modifications).

Blueprint Genetics
Classification: Likely benign. Last evaluated: 2024-04-08. Review status: criteria provided, single submitter. Criteria: ACMG Guidelines, 2015. Collection method: clinical testing. Allele origin: germline.